The following is an entry in ClinVar:

NC_000009.11:g.(?_116037910)_(116993432_?)dup

Genes: ALAD (aminolevulinate dehydratase; minus strand), AMBP (alpha-1-microglobulin/bikunin precursor; minus strand), BSPRY (B-box and SPRY domain containing; plus strand), C9orf43 (chromosome 9 open reading frame 43; plus strand), COL27A1 (collagen type XXVII alpha 1 chain; plus strand) and 8 more. Cytogenetic location: 9q32.
Variant type: Duplication.
Identifiers: ClinVar variation 2427240 (VCV002427240.4).

ClinVar aggregate classification (germline): Uncertain significance (1 of 4 stars; one submission).

Submission:

Labcorp Genetics (formerly Invitae), Labcorp
Classification: Uncertain significance. Last evaluated: 2022-05-17. Review status: criteria provided, single submitter. Criteria: Invitae Variant Classification Sherloc (09022015). Collection method: clinical testing. Allele origin: germline.
Comment: A copy number gain of the genomic region encompassing the full coding sequence of the KIF12 gene has been identified. The boundaries of this event are unknown as they extend beyond the assayed region for this gene and therefore may encompass additional genes. As the precise location of this event is unknown, it may be in tandem or it may be located elsewhere in the genome. Isolated whole-gene copy number gain of KIF12 have not been reported in the literature. However, larger copy number events that include this gene have been reported (PMID: 26352300). In summary, the available evidence is currently insufficient to determine the role of this variant in disease. Therefore, it has been classified as a Variant of Uncertain Significance.

Literature cited by the submitters: PubMed 26352300.